The following is an entry in ClinVar:

ClinVar aggregate classification (germline): Uncertain significance (1 of 4 stars; one submission).

Conditions:
Angelman syndrome (AS). Also called: HAPPY PUPPET SYNDROME. Identifiers: Orphanet 72, MedGen C0162635, MONDO:0007113, OMIM 105830. Disease mechanism: loss of function. Inheritance: AS is caused by disruption of maternally imprinted UBE3A located within the 15q11.2-q13 Angelman syndrome/Prader-Willi syndrome (AS/PWS) region., imprinting disorder.

Submission:

Labcorp Genetics (formerly Invitae), Labcorp
Classification: Uncertain significance for Angelman syndrome. Last evaluated: 2021-03-08. Review status: criteria provided, single submitter. Criteria: Invitae Variant Classification Sherloc (09022015). Collection method: clinical testing. Allele origin: germline.
Comment: This sequence change replaces methionine with arginine at codon 522 of the UBE3A protein (p.Met522Arg). The methionine residue is highly conserved and there is a moderate physicochemical difference between methionine and arginine. This variant is not present in population databases (ExAC no frequency). This variant has not been reported in the literature in individuals with UBE3A-related conditions. Algorithms developed to predict the effect of missense changes on protein structure and function are either unavailable or do not agree on the potential impact of this missense change (SIFT: "Not Available"; PolyPhen-2: "Benign"; Align-GVGD: "Not Available"). In summary, the available evidence is currently insufficient to determine the role of this variant in disease. Therefore, it has been classified as a Variant of Uncertain Significance.

NM_130839.5(UBE3A):c.1625T>G (p.Met542Arg)

Genes: SNHG14 (small nucleolar RNA host gene 14; plus strand), UBE3A (ubiquitin protein ligase E3A; minus strand). Cytogenetic location: 15q11.2.
Variant type: single nucleotide variant.
Coding change: c.1625T>G on transcript NM_130839.5 (MANE Select); coding-DNA position 1625, T replaced by G.
Protein change: p.Met542Arg; replaces methionine 542 with arginine.
Molecular consequence: missense variant. On other transcripts: non-coding transcript variant (1).
Genome position (GRCh38, 1-based): chr15:25,360,511, A>C on the plus strand (T>G on the coding strand, the complement: UBE3A is on the minus strand). VCF-style: chr15-25360511-A-C. GRCh37 (hg19) VCF-style: chr15-25605658-A-C.
Other names: c.1634T>G, p.Met545Arg (NM_000462.5); c.1625T>G, p.Met542Arg (NM_001354505.1, NM_001354538.2, NM_001354545.2); c.1565T>G, p.Met522Arg (NM_001354506.2, NM_001354507.2, NM_001354508.2 and 17 more transcripts); c.1448T>G, p.Met483Arg (NM_001354546.2); c.374T>G, p.Met125Arg (NM_001354550.2); c.314T>G, p.Met105Arg (NM_001354551.2); short protein forms M483R, M542R, M105R, M125R, M522R, M545R.
Identifiers: ClinVar variation 1470991 (VCV001470991.6), dbSNP rs2152730267, ClinGen allele CA391353151.